The following is an entry in ClinVar:

ClinVar aggregate classification (germline): Uncertain significance (1 of 4 stars; one submission).

Conditions:
Desbuquois dysplasia 1 (DBQD1). Also called: DESBUQUOIS DYSPLASIA 1, KIM VARIANT; MICROMELIC DWARFISM WITH VERTEBRAL AND METAPHYSEAL ABNORMALITIES AND ADVANCED CARPOTARSAL OSSIFICATION. Identifiers: Orphanet 1425, MedGen C4012146, MONDO:0009629, OMIM 251450.

Allele frequency attached by ClinVar (database versions not stated): gnomAD exomes 0.00001; ExAC 0.00003; TOPMed 0.00005; gnomAD 0.00006.
gnomAD v4.1: 20 of 1,613,998 alleles (0.0012%); highest among the groups gnomAD compares: Admixed American, 0.02%; no homozygotes.

Submission:

Labcorp Genetics (formerly Invitae), Labcorp
Classification: Uncertain significance for Desbuquois dysplasia 1. Last evaluated: 2025-04-14. Review status: criteria provided, single submitter. Criteria: Invitae Variant Classification Sherloc (09022015). Collection method: clinical testing. Allele origin: germline.
Comment: This sequence change replaces leucine, which is neutral and non-polar, with glutamine, which is neutral and polar, at codon 367 of the XYLT1 protein (p.Leu367Gln). This variant is present in population databases (rs776371146, gnomAD 0.006%). This variant has not been reported in the literature in individuals affected with XYLT1-related conditions. ClinVar contains an entry for this variant (Variation ID: 1898528). Invitae Evidence Modeling of protein sequence and biophysical properties (such as structural, functional, and spatial information, amino acid conservation, physicochemical variation, residue mobility, and thermodynamic stability) indicates that this missense variant is expected to disrupt XYLT1 protein function with a positive predictive value of 80%. In summary, the available evidence is currently insufficient to determine the role of this variant in disease. Therefore, it has been classified as a Variant of Uncertain Significance.

NM_022166.4(XYLT1):c.1100T>A (p.Leu367Gln)

Gene: XYLT1 (xylosyltransferase 1; minus strand). Cytogenetic location: 16p12.3.
Variant type: single nucleotide variant.
Coding change: c.1100T>A on transcript NM_022166.4 (MANE Select); coding-DNA position 1100, T replaced by A.
Protein change: p.Leu367Gln; replaces leucine 367 with glutamine.
Molecular consequence: missense variant.
Genome position (GRCh38, 1-based): chr16:17,198,401, A>T on the plus strand (T>A on the coding strand, the complement: XYLT1 is on the minus strand). VCF-style: chr16-17198401-A-T. GRCh37 (hg19) VCF-style: chr16-17292258-A-T.
Other names: short protein forms L367Q.
Identifiers: ClinVar variation 1898528 (VCV001898528.5), dbSNP rs776371146, ClinGen allele CA7928009.